The following is an entry in ClinVar:

ClinVar aggregate classification (germline): Pathogenic (1 of 4 stars; one submission).

Submission:

Labcorp Genetics (formerly Invitae), Labcorp
Classification: Pathogenic. Last evaluated: 2024-03-09. Review status: criteria provided, single submitter. Criteria: Invitae Variant Classification Sherloc (09022015). Collection method: clinical testing. Allele origin: germline.
Comment: This sequence change creates a premature translational stop signal (p.Leu87Serfs*49) in the CDK13 gene. It is expected to result in an absent or disrupted protein product. Loss-of-function variants in CDK13 are known to be pathogenic (PMID: 27479907, 29021403, 29393965). This variant is not present in population databases (gnomAD no frequency). This variant has not been reported in the literature in individuals affected with CDK13-related conditions. ClinVar contains an entry for this variant (Variation ID: 2116449). For these reasons, this variant has been classified as Pathogenic.

Literature cited by the submitters: PubMed 27479907; PubMed 29021403; PubMed 29393965.

NM_003718.5(CDK13):c.257dup (p.Leu87fs)

Genes: CDK13 (cyclin dependent kinase 13; plus strand), LOC129998292 (ATAC-STARR-seq lymphoblastoid silent region 18115; plus strand). Cytogenetic location: 7p14.1.
Variant type: Duplication.
Coding change: c.257dup on transcript NM_003718.5 (MANE Select); coding-DNA position 257, one base duplicated (C; older notation c.257dupC).
Protein change: p.Leu87fs; shifts the reading frame from leucine 87.
Molecular consequence: frameshift variant.
Genome position (GRCh38, 1-based): chr7:39,950,898, C duplicated; the last of 6 consecutive C bases (chr7:39,950,893-39,950,898); duplicating any one gives the same sequence. VCF-style (leftmost placement, unchanged base first): chr7-39950892-G-GC. GRCh37 (hg19) VCF-style: chr7-39990491-G-GC.
Other names: c.257dup, p.Leu87Serfs (NM_031267.4); short protein forms L87fs.
Identifiers: ClinVar variation 2116449 (VCV002116449.4), dbSNP rs999291073, ClinGen allele CA2580077099.
Genomic context (GRCh38, chr7:39,950,892, plus strand): 5'-CCGGCACGGCCGCCGCCGCAGCCGCCGCCGCCGCGGCCTCCTCCTCTTGCTTCAGCCCGG[G>GC]CCCCCCTCTGGAGGTCAAGCGGCTGGCGAGAGGCAAGAGGCGCGCAGGAGGGCGGCAGAA-3'